The following is an entry in ClinVar:

NM_198123.2(CSMD3):c.4760C>T (p.Pro1587Leu)

Gene: CSMD3 (CUB and Sushi multiple domains 3; minus strand). Cytogenetic location: 8q23.3.
Variant type: single nucleotide variant.
Coding change: c.4760C>T on transcript NM_198123.2 (MANE Select); coding-DNA position 4760, C replaced by T.
Protein change: p.Pro1587Leu; replaces proline 1587 with leucine.
Molecular consequence: missense variant.
Genome position (GRCh38, 1-based): chr8:112,506,826, G>A on the plus strand (C>T on the coding strand, the complement: CSMD3 is on the minus strand). VCF-style: chr8-112506826-G-A. GRCh37 (hg19) VCF-style: chr8-113519055-G-A.
Other names: c.4370C>T, p.Pro1457Leu (NM_001363185.1); c.4448C>T, p.Pro1483Leu (NM_052900.3); c.4640C>T, p.Pro1547Leu (NM_198124.2); short protein forms P1457L, P1483L, P1547L, P1587L.
Identifiers: ClinVar variation 2632218 (VCV002632218.2), dbSNP rs1316312638, ClinGen allele CA372048767.

ClinVar aggregate classification (germline): Uncertain significance (0 of 4 stars; one submission).

Conditions:
CSMD3-related disorder. Also called: CSMD3-related condition.

Submission:

PreventionGenetics, part of Exact Sciences
Classification: Uncertain significance for CSMD3-related condition. Last evaluated: 2024-06-13. Review status: no assertion criteria provided. Collection method: clinical testing. Allele origin: germline.
Comment: The CSMD3 c.4760C>T variant is predicted to result in the amino acid substitution p.Pro1587Leu. To our knowledge, this variant has not been reported in the literature or in a large population database, indicating this variant is rare. At this time, the clinical significance of this variant is uncertain due to the absence of conclusive functional and genetic evidence.